The following is an entry in ClinVar:

NM_001375905.1(SGMS2):c.714_715insAT (p.Phe239fs)

Genes: CYP2U1-AS1 (CYP2U1 and SGMS2 antisense RNA 1; minus strand), SGMS2 (sphingomyelin synthase 2; plus strand). Cytogenetic location: 4q25.
Variant type: Insertion.
Coding change: c.714_715insAT on transcript NM_001375905.1 (MANE Select); coding-DNA positions 714 to 715, AT inserted.
Protein change: p.Phe239fs; shifts the reading frame from phenylalanine 239.
Molecular consequence: frameshift variant.
Genome position: GRCh38 VCF-style: chr4-107903373-G-GAT. GRCh37 (hg19) VCF-style: chr4-108824529-G-GAT.
Other names: c.714_715insAT, p.Phe239fs (NM_001136257.2, NM_001136258.2, NM_001375906.1 and 4 more transcripts); c.195_196insAT, p.Phe66fs (NM_001375911.1); c.714_715insAT (NM_001136257.1); short protein forms F66fs, F239fs.
Identifiers: ClinVar variation 2171606 (VCV002171606.5), dbSNP rs779248083, ClinGen allele CA3036844.

ClinVar aggregate classification (germline): Uncertain significance. Review status: criteria provided, multiple submitters, no conflicts (2 of 4 stars). 2 submissions from 2 submitters: Uncertain significance (2). Last evaluated 2025-04-17.

Conditions:
Calvarial doughnut lesions-bone fragility syndrome. Also called: Doughnut lesions of skull, familial. Identifiers: Orphanet 85192, MedGen C1852022, MONDO:0007470, OMIM 126550.

Allele frequency attached by ClinVar (database versions not stated): ExAC 0.00002; gnomAD 0.00005; TOPMed 0.00005; ESP Exome Variant Server 0.00008; gnomAD exomes 0.00010.

Submissions (2):

Labcorp Genetics (formerly Invitae), Labcorp
Classification: Uncertain significance. Last evaluated: 2025-04-17. Review status: criteria provided, single submitter. Criteria: Invitae Variant Classification Sherloc (09022015). Collection method: clinical testing. Allele origin: germline.
Comment: This sequence change creates a premature translational stop signal (p.Phe239Ilefs*16) in the SGMS2 gene. It is expected to result in an absent or disrupted protein product. However, the current clinical and genetic evidence is not sufficient to establish whether loss-of-function variants in SGMS2 cause disease. This variant is present in population databases (rs779248083, gnomAD 0.01%). This variant has not been reported in the literature in individuals affected with SGMS2-related conditions. ClinVar contains an entry for this variant (Variation ID: 2171606). In summary, the available evidence is currently insufficient to determine the role of this variant in disease. Therefore, it has been classified as a Variant of Uncertain Significance.

Fulgent Genetics
Classification: Uncertain significance for Calvarial doughnut lesions-bone fragility syndrome. Last evaluated: 2024-01-09. Review status: criteria provided, single submitter. Criteria: ACMG Guidelines, 2015. Collection method: clinical testing. Allele origin: germline.